The following is an entry in ClinVar:

ClinVar aggregate classification (germline): Uncertain significance. Review status: reviewed by expert panel (3 of 4 stars). 2 submissions from 2 submitters: Uncertain significance (1). 1 of the submissions does not count toward it. Last evaluated 2025-01-22.

Conditions:
Pulmonary arterial hypertension associated with congenital heart disease. Identifiers: Orphanet 275803, MedGen C3697119, MONDO:0017152.
Pulmonary arterial hypertension. Identifiers: Orphanet 182090, MedGen C2973725, MeSH D000081029, MONDO:0015924, HP:0002092.

Submissions (2):

Clingen Pulmonary Hypertension Variant Curation Expert Panel, ClinGen
Classification: Uncertain significance for Pulmonary arterial hypertension. Last evaluated: 2025-01-22. Review status: reviewed by expert panel. Criteria: ClinGen PH ACMG Specifications BMPR2 V1.1.0. Collection method: curation. Allele origin: germline. Inheritance: Autosomal dominant inheritance.
Comment: The NM_001204.7(BMPR2):c.140G>A (p.Gly47Asp) variant is a missense variant located within exon 2 of BMPR2, predicted to cause substitution of glycine to an aspartic acid. This variant is located within the conserved extracellular domain of the protein but does not affect a known critical residue (PM1_moderate). The variant is absent from gnomAD v2.1.1 (controls) and v4.1 (PM2_supporting). The REVEL prediction algorithm score is 0.55, which is below our threshold of >=0.75 for pathogenicity (PP3_not met) and above our threshold for benignity (BP4 not met). The variant has been reported in an individual with PAH associated with congenital heart disease (PMID: 15358693) but not in patients with hereditary or idiopathic PAH (PS4 not met). Alternative alleles at the same nucleotide or amino acid have not been reported (PS1 and PM5 not met). Functional studies have not been reported (PS3, not evaluated). Neither segregation or maternity/paternity studies have not been reported (PS2, PP1, BS4 not evaluated). In summary, this variant meets the criteria to be classified as a variant of unknown significance for pulmonary arterial hypertension based on the ACMG/AMP criteria applied, as specified by the ClinGen Pulmonary Hypertension VCEP: PM1_moderate, PM2_supporting (VCEP specification version 1.1.0, 1/18/2024).

Rare Disease Genomics Group, St George's University of London
Classification: Pathogenic for Pulmonary arterial hypertension associated with congenital heart disease. Review status: no assertion criteria provided. Collection method: literature only. Allele origin: germline. Affected: yes. Not counted in ClinVar's aggregate classification.

Literature cited by the submitters: PubMed 15358693 (cited by Rare Disease Genomics Group, St George's University of London).

NM_001204.7(BMPR2):c.140G>A (p.Gly47Asp)

Gene: BMPR2 (bone morphogenetic protein receptor type 2; plus strand). Cytogenetic location: 2q33.1.
Variant type: single nucleotide variant.
Coding change: c.140G>A on transcript NM_001204.7 (MANE Select); coding-DNA position 140, G replaced by A.
Protein change: p.Gly47Asp; replaces glycine 47 with aspartic acid.
Molecular consequence: missense variant.
Genome position (GRCh38, 1-based): chr2:202,464,872, G>A. VCF-style: chr2-202464872-G-A. GRCh37 (hg19) VCF-style: chr2-203329595-G-A.
Other names: NM_001204.7(BMPR2):c.140G>A; p.Gly47Asp; c.140G>A (LRG_712t1); short protein forms G47D.
Identifiers: ClinVar variation 425707 (VCV000425707.2), dbSNP rs1085307168, ClinGen allele CA350399236.